The following is an entry in ClinVar:

ClinVar aggregate classification (germline): Benign. Review status: criteria provided, multiple submitters, no conflicts (2 of 4 stars). 2 submissions from 2 submitters: Benign (2). Last evaluated 2018-01-13.

Conditions:
Nephronophthisis-like nephropathy 1 (NPHPL1). Identifiers: Orphanet 655, MedGen C3150419, MONDO:0013163, OMIM 613159.

Allele frequency attached by ClinVar (database versions not stated): gnomAD 0.05075; 1000 Genomes Project 0.05192; 1000 Genomes Project 30x 0.05434; TOPMed 0.05701.

Submissions (2):

Illumina Laboratory Services, Illumina
Classification: Benign for Nephronophthisis-like nephropathy 1. Last evaluated: 2018-01-13. Review status: criteria provided, single submitter. Criteria: ICSL Variant Classification Criteria 13 December 2019. Collection method: clinical testing. Allele origin: germline.
Comment: This variant was observed in the ICSL laboratory as part of a predisposition screen in an ostensibly healthy population. It had not been previously curated by ICSL or reported in the Human Gene Mutation Database (HGMD: prior to June 1st, 2018), and was therefore a candidate for classification through an automated scoring system. Utilizing variant allele frequency, disease prevalence and penetrance estimates, and inheritance mode, an automated score was calculated to assess if this variant is too frequent to cause the disease. Based on the score and internal cut-off values, a variant classified as benign is not then subjected to further curation. The score for this variant resulted in a classification of benign for this disease.

Breakthrough Genomics
Classification: Benign. Review status: criteria provided, single submitter. Criteria: ACMG Guidelines, 2015. Collection method: not provided. Allele origin: germline. Inheritance: Autosomal recessive inheritance. Affected: yes.

NM_022098.4(XPNPEP3):c.*4362C>G

Gene: XPNPEP3 (X-prolyl aminopeptidase 3; plus strand). Cytogenetic location: 22q13.2.
Variant type: single nucleotide variant.
Coding change: c.*4362C>G on transcript NM_022098.4 (MANE Select); 4362 bases downstream of the stop codon, C replaced by G.
Molecular consequence: 3 prime UTR variant.
Genome position (GRCh38, 1-based): chr22:40,930,797, C>G. VCF-style: chr22-40930797-C-G. GRCh37 (hg19) VCF-style: chr22-41326801-C-G.
Identifiers: ClinVar variation 341744 (VCV000341744.6), dbSNP rs9623286, ClinGen allele CA10654152.